The following is an entry in ClinVar:

ClinVar aggregate classification (germline): Uncertain significance (1 of 4 stars; one submission).

Conditions:
Microcephaly, normal intelligence and immunodeficiency (NBS). Also called: Immunodeficiency, microcephaly with normal intelligence; Ataxia telangiectasia variant V1; BERLIN BREAKAGE SYNDROME; IMMUNODEFICIENCY, MICROCEPHALY, AND CHROMOSOMAL INSTABILITY; SEEMANOVA SYNDROME II; Microcephaly with normal intelligence immunodeficiency and lymphoreticular malignancies. Identifiers: Orphanet 647, MedGen C0398791, MONDO:0009623, OMIM 251260.

Submission:

Labcorp Genetics (formerly Invitae), Labcorp
Classification: Uncertain significance for Microcephaly, normal intelligence and immunodeficiency. Last evaluated: 2022-07-11. Review status: criteria provided, single submitter. Criteria: Invitae Variant Classification Sherloc (09022015). Collection method: clinical testing. Allele origin: germline.
Comment: In summary, the available evidence is currently insufficient to determine the role of this variant in disease. Therefore, it has been classified as a Variant of Uncertain Significance. Algorithms developed to predict the effect of missense changes on protein structure and function output the following: SIFT: "Tolerated"; PolyPhen-2: "Benign"; Align-GVGD: "Class C0". The glycine amino acid residue is found in multiple mammalian species, which suggests that this missense change does not adversely affect protein function. This variant has not been reported in the literature in individuals affected with NBN-related conditions. This variant is not present in population databases (gnomAD no frequency). This sequence change replaces aspartic acid, which is acidic and polar, with glycine, which is neutral and non-polar, at codon 399 of the NBN protein (p.Asp399Gly).

NM_002485.5(NBN):c.1196A>G (p.Asp399Gly)

Gene: NBN (nibrin; minus strand). Cytogenetic location: 8q21.3.
Variant type: single nucleotide variant.
Coding change: c.1196A>G on transcript NM_002485.5 (MANE Select); coding-DNA position 1196, A replaced by G.
Protein change: p.Asp399Gly; replaces aspartic acid 399 with glycine.
Molecular consequence: missense variant.
Genome position (GRCh38, 1-based): chr8:89,955,484, T>C on the plus strand (A>G on the coding strand, the complement: NBN is on the minus strand). VCF-style: chr8-89955484-T-C. GRCh37 (hg19) VCF-style: chr8-90967712-T-C.
Other names: c.950A>G, p.Asp317Gly (NM_001024688.3); short protein forms D317G, D399G.
Identifiers: ClinVar variation 2015870 (VCV002015870.4), dbSNP rs2488245075, ClinGen allele CA371656379.